The following is an entry in ClinVar:

ClinVar aggregate classification (germline): Likely benign (0 of 4 stars; one submission).

Conditions:
FSIP2-related disorder. Also called: FSIP2-related condition.

Allele frequency attached by ClinVar (database versions not stated): TOPMed below 0.00001; gnomAD exomes 0.00001; gnomAD 0.00002; 1000 Genomes Project 30x 0.00016; 1000 Genomes Project 0.00020.
gnomAD v4.1: 18 of 1,533,532 alleles (0.0012%); highest among the groups gnomAD compares: Middle Eastern, 0.2%; no homozygotes.

Submission:

PreventionGenetics, part of Exact Sciences
Classification: Likely benign for FSIP2-related condition. Last evaluated: 2019-06-24. Review status: no assertion criteria provided. Collection method: clinical testing. Allele origin: germline.
Comment: This variant is classified as likely benign based on ACMG/AMP sequence variant interpretation guidelines (Richards et al. 2015 PMID: 25741868, with internal and published modifications).

NM_173651.4(FSIP2):c.8958C>T (p.Asn2986=)

Genes: FSIP2 (fibrous sheath interacting protein 2; plus strand), FSIP2-AS1 (FSIP2 antisense RNA 1; minus strand). Cytogenetic location: 2q32.1.
Variant type: single nucleotide variant.
Coding change: c.8958C>T on transcript NM_173651.4 (MANE Select); coding-DNA position 8958, C replaced by T.
Protein change: p.Asn2986=; no amino-acid change (asparagine 2986 retained).
Molecular consequence: synonymous variant.
Genome position (GRCh38, 1-based): chr2:185,796,094, C>T. VCF-style: chr2-185796094-C-T. GRCh37 (hg19) VCF-style: chr2-186660821-C-T.
Identifiers: ClinVar variation 3043394 (VCV003043394.2), dbSNP rs538332135, ClinGen allele CA61750985.
Genomic context (GRCh38, chr2:185,796,094, plus strand): 5'-CAGCAGTTTACCAATCTATAACACAAAGACAAAAGACCAAATTTCTGTGGGCTCCAGCAA[C>T]CAAATTGTTCAAGAGATTGTAGAAACGGTTTTAAACATGTTAGAGTCATTTGTGGACTTG-3'
Protein context (NP_775922.3, residues 2976-2996): TKDQISVGSS[Asn2986=]QIVQEIVETV